The following is an entry in ClinVar:

NM_001387430.1(SH2B1):c.41C>T (p.Ser14Leu)

Gene: SH2B1 (SH2B adaptor protein 1; plus strand). Cytogenetic location: 16p11.2.
Variant type: single nucleotide variant.
Coding change: c.41C>T on transcript NM_001387430.1 (MANE Select); coding-DNA position 41, C replaced by T.
Protein change: p.Ser14Leu; replaces serine 14 with leucine.
Molecular consequence: missense variant. On other transcripts: intron variant (1).
Genome position (GRCh38, 1-based): chr16:28,866,135, C>T. VCF-style: chr16-28866135-C-T. GRCh37 (hg19) VCF-style: chr16-28877456-C-T.
Other names: c.41C>T, p.Ser14Leu (NM_001145795.2, NM_001145796.2, NM_001145797.2 and 4 more transcripts); c.-26-1239C>T (NM_001308294.2); short protein forms S14L.
Identifiers: ClinVar variation 3353583 (VCV003353583.1).

ClinVar aggregate classification (germline): Uncertain significance (0 of 4 stars; one submission).

Conditions:
SH2B1-related disorder. Also called: SH2B1-related condition.

gnomAD v4.1: 97 of 1,562,118 alleles (0.0062%); highest among the groups gnomAD compares: Non-Finnish European, 0.0081%; no homozygotes.

Submission:

PreventionGenetics, part of Exact Sciences
Classification: Uncertain significance for SH2B1-related condition. Last evaluated: 2024-01-30. Review status: no assertion criteria provided. Collection method: clinical testing. Allele origin: germline.
Comment: The SH2B1 c.41C>T variant is predicted to result in the amino acid substitution p.Ser14Leu. To our knowledge, this variant has not been reported in the literature. This variant is reported in 0.0056% of alleles in individuals of European (Non-Finnish) descent in gnomAD. At this time, the clinical significance of this variant is uncertain due to the absence of conclusive functional and genetic evidence.